The following is an entry in ClinVar:

ClinVar aggregate classification (germline): Likely pathogenic (0 of 4 stars; one submission).

Allele frequency attached by ClinVar (database versions not stated): gnomAD 0.00005; TOPMed 0.00007; ExAC 0.00014; ESP Exome Variant Server 0.00015.
gnomAD v4.1: 130 of 1,612,882 alleles (0.0081%); highest among the groups gnomAD compares: Middle Eastern, 0.066%; no homozygotes.

Submission:

Institute of Anatomy and Cell Biology, Medical Faculty, University Of Bonn
Classification: Likely pathogenic. Last evaluated: 2023-08-16. Review status: no assertion criteria provided. Collection method: clinical testing. Allele origin: inherited. Affected: yes.
Comment: This variant was observed in compound heterozygosity with variant c.8758C>T

NM_001407.3(CELSR3):c.7423C>T (p.Arg2475Trp)

Gene: CELSR3 (cadherin EGF LAG seven-pass G-type receptor 3; minus strand). Cytogenetic location: 3p21.31.
Variant type: single nucleotide variant.
Coding change: c.7423C>T on transcript NM_001407.3 (MANE Select); coding-DNA position 7423, C replaced by T.
Protein change: p.Arg2475Trp; replaces arginine 2475 with tryptophan.
Molecular consequence: missense variant.
Genome position (GRCh38, 1-based): chr3:48,646,130, G>A on the plus strand (C>T on the coding strand, the complement: CELSR3 is on the minus strand). VCF-style: chr3-48646130-G-A. GRCh37 (hg19) VCF-style: chr3-48683563-G-A.
Other names: short protein forms R2475W.
Identifiers: ClinVar variation 2672068 (VCV002672068.1), dbSNP rs369860222, ClinGen allele CA2384191.